The following is an entry in ClinVar:

ClinVar aggregate classification (germline): Uncertain significance (1 of 4 stars; one submission).

Allele frequency attached by ClinVar (database versions not stated): gnomAD exomes 0.00002; TOPMed 0.00003; gnomAD 0.00005; ExAC 0.00006.
gnomAD v4.1: 35 of 1,380,496 alleles (0.0025%); highest among the groups gnomAD compares: Non-Finnish European, 0.0033%; no homozygotes.

Submissions (2):

Labcorp Genetics (formerly Invitae), Labcorp
Classification: Uncertain significance. Last evaluated: 2025-04-30. Review status: criteria provided, single submitter. Criteria: Invitae Variant Classification Sherloc (09022015). Collection method: clinical testing. Allele origin: germline.
Comment: This sequence change affects an acceptor splice site in intron 23 of the IFT88 gene. It is expected to disrupt RNA splicing. Variants that disrupt the donor or acceptor splice site typically lead to a loss of protein function (PMID: 16199547), however the current clinical and genetic evidence is not sufficient to establish whether loss-of-function variants in IFT88 cause disease. This variant is present in population databases (rs201216388, gnomAD 0.01%). This variant has not been reported in the literature in individuals affected with IFT88-related conditions. ClinVar contains an entry for this variant (Variation ID: 1991110). Algorithms developed to predict the effect of sequence changes on RNA splicing suggest that this variant may disrupt the consensus splice site. In summary, the available evidence is currently insufficient to determine the role of this variant in disease. Therefore, it has been classified as a Variant of Uncertain Significance.

Dr. Peter K. Rogan Lab, Western University
No classification provided (evidence only). Condition: Gastric cancer. Review status: no classification provided. Collection method: in vitro. Allele origin: not applicable. Functional consequence: retained intron. Not counted in ClinVar's aggregate classification.

Literature cited by the submitters: PubMed 16199547 (cited by Labcorp Genetics (formerly Invitae), Labcorp).

NM_006531.5(IFT88):c.2003-2A>G

Gene: IFT88 (intraflagellar transport 88; plus strand). Cytogenetic location: 13q12.11.
Variant type: single nucleotide variant.
Coding change: c.2003-2A>G on transcript NM_006531.5 (MANE Select); the canonical splice acceptor site of the intron before coding-DNA position 2003, A replaced by G.
Molecular consequence: splice acceptor variant.
Genome position (GRCh38, 1-based): chr13:20,656,363, A>G. VCF-style: chr13-20656363-A-G. GRCh37 (hg19) VCF-style: chr13-21230502-A-G.
Other names: c.1928-2A>G (NM_001353577.2, NM_001353569.2, NM_001353570.2 and 1 more transcripts); c.2030-2A>G (NM_001353565.2, NM_001353567.2, NM_001318493.2 and 2 more transcripts); c.2003-2A>G (NM_001353572.2, NM_001353568.2); c.1901-2A>G (NM_001353571.2, NM_001353578.2); c.1370-2A>G (NM_001353579.2); c.1946-2A>G (NM_001353575.2, NM_001318491.2); c.1859-2A>G (NM_001353573.2); c.1844-2A>G (NM_001353574.2).
Identifiers: ClinVar variation 1991110 (VCV001991110.5), dbSNP rs201216388, ClinGen allele CA6905627.
Genomic context (GRCh38, chr13:20,656,363, plus strand): 5'-TTTTTCTGAATCCTGTTAGTTTCTATAATTTGCTAATATATTTTTCTCTTGTTTGTTTAT[A>G]GGTAACTACCAAAAAGCATTAGATACTTACAAAGATACTCACAGAAAATTTCCAGAAAAT-3'